The following is an entry in ClinVar:

ClinVar aggregate classification (germline): Uncertain significance (1 of 4 stars; one submission).

Allele frequency attached by ClinVar (database versions not stated): gnomAD 0.00001; TOPMed 0.00001.
gnomAD v4.1: 1 of 1,613,284 alleles (0.000062%); highest among the groups gnomAD compares: African/African-American, 0.0013%; no homozygotes.

Submission:

Laboratorio de Genetica e Diagnostico Molecular, Hospital Israelita Albert Einstein
Classification: Uncertain significance. Last evaluated: 2020-01-22. Review status: criteria provided, single submitter. Criteria: ACMG Guidelines, 2015. Collection method: clinical testing. Allele origin: germline. Affected: yes.
Comment: ACMG classification criteria: PM2

NM_015275.3(WASHC4):c.1741C>G (p.Gln581Glu)

Gene: WASHC4 (WASH complex subunit 4; plus strand). Cytogenetic location: 12q23.3.
Variant type: single nucleotide variant.
Coding change: c.1741C>G on transcript NM_015275.3 (MANE Select); coding-DNA position 1741, C replaced by G.
Protein change: p.Gln581Glu; replaces glutamine 581 with glutamic acid.
Molecular consequence: missense variant.
Genome position (GRCh38, 1-based): chr12:105,141,200, C>G. VCF-style: chr12-105141200-C-G. GRCh37 (hg19) VCF-style: chr12-105534978-C-G.
Other names: c.1744C>G, p.Gln582Glu (NM_001293640.2); short protein forms Q581E, Q582E.
Identifiers: ClinVar variation 1690779 (VCV001690779.2), dbSNP rs199699095, ClinGen allele CA242624474.
Genomic context (GRCh38, chr12:105,141,200, plus strand): 5'-TCTGCCTTTTTTTCCTGTCCCTGATAGAAAACATTTAAAGATGAAGAACTCTTTCCACTT[C>G]AAGTAGTCATGAAAAAACTGGATCTTATTAGTGAACTTAGAGAACGGTAAGTAGGACTGG-3'
Protein context (NP_056090.1, residues 571-591): TFKDEELFPL[Gln581Glu]VVMKKLDLIS